The following is an entry in ClinVar:

ClinVar aggregate classification (germline): Uncertain significance. Review status: criteria provided, multiple submitters, no conflicts (2 of 4 stars). 2 submissions from 2 submitters: Uncertain significance (2). Last evaluated 2025-08-08.

Conditions:
Inborn genetic diseases. Identifiers: MedGen C0950123, MeSH D030342.

gnomAD v4.1: 2 of 1,612,930 alleles (0.00012%); highest among the groups gnomAD compares: African/African-American, 0.0013%; no homozygotes.

Submissions (2):

Ambry Genetics
Classification: Uncertain significance for Inborn genetic diseases. Last evaluated: 2025-08-08. Review status: criteria provided, single submitter. Criteria: Ambry Variant Classification Scheme 2023. Collection method: clinical testing. Allele origin: germline.
Comment: The p.A1416V variant (also known as c.4247C>T), located in coding exon 30 of the ANKRD26 gene, results from a C to T substitution at nucleotide position 4247. The alanine at codon 1416 is replaced by valine, an amino acid with similar properties. This amino acid position is conserved. In addition, this alteration is predicted to be tolerated by in silico analysis. Based on the available evidence, the clinical significance of this variant remains unclear.

GeneDx
Classification: Uncertain significance. Last evaluated: 2025-01-13. Review status: criteria provided, single submitter. Criteria: GeneDx Variant Classification Process June 2021. Collection method: clinical testing. Allele origin: germline. Affected: yes.
Comment: Not observed at significant frequency in large population cohorts (gnomAD); In silico analysis indicates that this missense variant does not alter protein structure/function; Has not been previously published as pathogenic or benign to our knowledge

NM_014915.3(ANKRD26):c.4247C>T (p.Ala1416Val)

Gene: ANKRD26 (ankyrin repeat domain containing 26; minus strand). Cytogenetic location: 10p12.1.
Variant type: single nucleotide variant.
Coding change: c.4247C>T on transcript NM_014915.3 (MANE Select); coding-DNA position 4247, C replaced by T.
Protein change: p.Ala1416Val; replaces alanine 1416 with valine.
Molecular consequence: missense variant.
Genome position (GRCh38, 1-based): chr10:27,017,761, G>A on the plus strand (C>T on the coding strand, the complement: ANKRD26 is on the minus strand). VCF-style: chr10-27017761-G-A. GRCh37 (hg19) VCF-style: chr10-27306690-G-A.
Other names: c.4244C>T, p.Ala1415Val (NM_001256053.2); short protein forms A1415V, A1416V.
Identifiers: ClinVar variation 4057158 (VCV004057158.2).